The following is an entry in ClinVar:

NM_001365951.3(KIF1B):c.5315C>T (p.Thr1772Ile)

Gene: KIF1B (kinesin family member 1B; plus strand). Cytogenetic location: 1p36.22.
Variant type: single nucleotide variant.
Coding change: c.5315C>T on transcript NM_001365951.3 (MANE Select); coding-DNA position 5315, C replaced by T.
Protein change: p.Thr1772Ile; replaces threonine 1772 with isoleucine.
Molecular consequence: missense variant.
Genome position (GRCh38, 1-based): chr1:10,375,280, C>T. VCF-style: chr1-10375280-C-T. GRCh37 (hg19) VCF-style: chr1-10435338-C-T.
Other names: c.5315C>T, p.Thr1772Ile (NM_001365952.1); c.5177C>T, p.Thr1726Ile (NM_015074.3); short protein forms T1726I, T1772I.
Identifiers: ClinVar variation 3864071 (VCV003864071.1).

ClinVar aggregate classification (germline): Uncertain significance (1 of 4 stars; one submission).

Submission:

Ambry Genetics
Classification: Uncertain significance. Last evaluated: 2025-01-13. Review status: criteria provided, single submitter. Criteria: Ambry Variant Classification Scheme 2023. Collection method: clinical testing. Allele origin: germline.
Comment: The p.T1726I variant (also known as c.5177C>T), located in coding exon 45 of the KIF1B gene, results from a C to T substitution at nucleotide position 5177. The threonine at codon 1726 is replaced by isoleucine, an amino acid with similar properties. This amino acid position is conserved. In addition, the in silico prediction for this alteration is inconclusive. Based on the available evidence, the clinical significance of this variant remains unclear.